The following is an entry in ClinVar:

ClinVar aggregate classification (germline): Likely benign (1 of 4 stars; one submission).

gnomAD v4.1: 33 of 1,535,208 alleles (0.0021%); highest among the groups gnomAD compares: Admixed American, 0.022%; no homozygotes.

Submission:

CeGaT Center for Human Genetics Tuebingen
Classification: Likely benign. Last evaluated: 2025-10-01. Review status: criteria provided, single submitter. Criteria: CeGaT Center For Human Genetics Tuebingen Variant Classification Criteria Version 2. Collection method: clinical testing. Allele origin: germline. Affected: yes. Observed: 1 variant allele.
Comment: CAMTA1: BP4

NM_015215.4(CAMTA1):c.234+62507G>C

Gene: CAMTA1 (calmodulin binding transcription activator 1; plus strand). Cytogenetic location: 1p36.31.
Variant type: single nucleotide variant.
Coding change: c.234+62507G>C on transcript NM_015215.4 (MANE Select); 62507 bases into the intron after coding-DNA position 234, G replaced by C.
Molecular consequence: intron variant. On other transcripts: missense variant (1), non-coding transcript variant (3).
Genome position (GRCh38, 1-based): chr1:6,887,717, G>C. VCF-style: chr1-6887717-G-C. GRCh37 (hg19) VCF-style: chr1-6947777-G-C.
Other names: c.298G>C, p.Glu100Gln (NM_001242701.2); c.234+62507G>C (NM_001349609.2, NM_001349610.2, NM_001410737.1 and 1 more transcripts); c.144+62507G>C (NM_001349608.2, NM_001349612.2); short protein forms E100Q.
Identifiers: ClinVar variation 4534224 (VCV004534224.6).